The following is an entry in ClinVar:

NM_003742.4(ABCB11):c.3459_3460delinsG (p.Ser1154fs)

Gene: ABCB11 (ATP binding cassette subfamily B member 11; minus strand). Cytogenetic location: 2q31.1.
Variant type: Indel.
Coding change: c.3459_3460delinsG on transcript NM_003742.4 (MANE Select); coding-DNA positions 3459 to 3460, CT replaced by G.
Protein change: p.Ser1154fs; shifts the reading frame from serine 1154.
Molecular consequence: frameshift variant.
Genome position (GRCh38, 1-based): chr2:168,927,314-168,927,315, AG replaced by C on the plus strand (CT replaced by G on the coding strand, the reverse complement: ABCB11 is on the minus strand). VCF-style: chr2-168927314-AG-C. GRCh37 (hg19) VCF-style: chr2-169783824-AG-C.
Other names: short protein forms S1154fs.
Identifiers: ClinVar variation 4846171 (VCV004846171.1).

ClinVar aggregate classification (germline): Pathogenic (1 of 4 stars; one submission).

Conditions:
Familial intrahepatic cholestasis. Identifiers: Orphanet 284385, MedGen CN296401, MONDO:0017290.

Submission:

Genomenon, Inc
Classification: Pathogenic for Familial intrahepatic cholestasis. Last evaluated: 2026-04-14. Review status: criteria provided, single submitter. Criteria: Genomenon Sequence Variant Interpretation Standards - Updated. Collection method: curation. Allele origin: germline. Affected: yes.
Comment: ABCB11 p.Ser1154GlnfsTer17 (c.3459_3460delinsG) is a frameshift variant that results in the production of a truncated protein which is predicted to undergo nonsense-mediated mRNA decay. This variant has been observed in at least one proband with an ABCB11-related disorder (PMID:36995996). It is absent or not present at a significant frequency in gnomAD. In conclusion, we classify ABCB11 p.Ser1154GlnfsTer17 (c.3459_3460delinsG) as a pathogenic variant.

Literature cited by the submitters: PubMed 36995996.